The following is an entry in ClinVar:

NM_024675.4(PALB2):c.48+4C>A

Gene: PALB2 (partner and localizer of BRCA2; minus strand). Cytogenetic location: 16p12.2.
Variant type: single nucleotide variant.
Coding change: c.48+4C>A on transcript NM_024675.4 (MANE Select); 4 bases into the intron after coding-DNA position 48, C replaced by A.
Molecular consequence: intron variant. On other transcripts: 5 prime UTR variant (2).
Genome position (GRCh38, 1-based): chr16:23,641,106, G>T on the plus strand (C>A on the coding strand, the complement: PALB2 is on the minus strand). VCF-style: chr16-23641106-G-T. GRCh37 (hg19) VCF-style: chr16-23652427-G-T.
Other names: c.48+4C>A (NM_001407300.1, NM_001407299.1, NM_001407301.1 and 6 more transcripts); c.-972+4C>A (NM_001407307.1, NM_001407309.1, NM_001407311.1 and 1 more transcripts); c.-1692C>A (NM_001407304.1, NM_001407310.1); c.-838+21C>A (NM_001407308.1, NM_001407306.1); c.-105+4C>A (NM_001407313.1, NM_001407312.1).
Identifiers: ClinVar variation 2762991 (VCV002762991.5), dbSNP rs876659843, ClinGen allele CA2697555740.
Genomic context (GRCh38, chr16:23,641,106, plus strand): 5'-AGGCCTAAAACCCTGGGAAAGCGGGGTCAGAGTCCTGCGTCCGCCCTTCCCGCACCCCCG[G>T]CACCTTTTCCTTCTCCTCACAGCTGAGGGGCTTCCCGGGAGGCTCGTCCATCGGGCAGGC-3'

ClinVar aggregate classification (germline): Conflicting classifications of pathogenicity. Review status: criteria provided, conflicting classifications (1 of 4 stars). 3 submissions from 3 submitters: Uncertain significance (2); Likely benign (1). Last evaluated 2025-01-09.

Conditions:
Familial cancer of breast. Also called: Hereditary breast cancer; BREAST CANCER, FAMILIAL; hereditary breast carcinoma. Identifiers: Orphanet 227535, MedGen C0346153, MONDO:0016419, OMIM 114480. Disease mechanism: loss of function.
Hereditary cancer-predisposing syndrome. Also called: Hereditary neoplastic syndrome; Neoplastic Syndromes, Hereditary; Hereditary Cancer Syndrome; Tumor predisposition. Identifiers: Orphanet 140162, MedGen C0027672, MeSH D009386, MONDO:0015356.

Submissions (3):

Myriad Genetics, Inc.
Classification: Likely benign for Familial cancer of breast. Last evaluated: 2025-01-09. Review status: criteria provided, single submitter. Criteria: Myriad Autosomal Dominant, Autosomal Recessive and X-Linked Classification Criteria (2023). Collection method: clinical testing. Allele origin: unknown.
Comment: This variant is considered likely benign. This variant is intronic and is not expected to impact mRNA splicing.

Ambry Genetics
Classification: Uncertain significance for Hereditary cancer-predisposing syndrome. Last evaluated: 2024-12-23. Review status: criteria provided, single submitter. Criteria: Ambry Variant Classification Scheme 2023. Collection method: clinical testing. Allele origin: germline.
Comment: The c.48+4C>A intronic variant results from a C to A substitution 4 nucleotides after coding exon 1 in the PALB2 gene. This nucleotide position is highly conserved in available vertebrate species. In silico splice site analysis predicts that this alteration will not have any significant effect on splicing. Based on the available evidence, the clinical significance of this variant remains unclear.

Labcorp Genetics (formerly Invitae), Labcorp
Classification: Uncertain significance for Familial cancer of breast. Last evaluated: 2023-09-23. Review status: criteria provided, single submitter. Criteria: Invitae Variant Classification Sherloc (09022015). Collection method: clinical testing. Allele origin: germline.
Comment: In summary, the available evidence is currently insufficient to determine the role of this variant in disease. Therefore, it has been classified as a Variant of Uncertain Significance. Variants that disrupt the consensus splice site are a relatively common cause of aberrant splicing (PMID: 17576681, 9536098). Algorithms developed to predict the effect of sequence changes on RNA splicing suggest that this variant is not likely to affect RNA splicing. This variant has not been reported in the literature in individuals affected with PALB2-related conditions. This variant is not present in population databases (gnomAD no frequency). This sequence change falls in intron 1 of the PALB2 gene. It does not directly change the encoded amino acid sequence of the PALB2 protein. It affects a nucleotide within the consensus splice site.

Literature cited by the submitters: PubMed 17576681 (cited by Labcorp Genetics (formerly Invitae), Labcorp); PubMed 9536098 (cited by Labcorp Genetics (formerly Invitae), Labcorp).